The following is an entry in ClinVar:

ClinVar aggregate classification (germline): Uncertain significance (1 of 4 stars; one submission).

Allele frequency attached by ClinVar (database versions not stated): gnomAD exomes below 0.00001.
gnomAD v4.1: 2 of 1,119,686 alleles (0.00018%); highest among the groups gnomAD compares: African/African-American, 0.0017%; no homozygotes.

Submission:

Labcorp Genetics (formerly Invitae), Labcorp
Classification: Uncertain significance. Last evaluated: 2024-01-09. Review status: criteria provided, single submitter. Criteria: Invitae Variant Classification Sherloc (09022015). Collection method: clinical testing. Allele origin: germline.
Comment: This sequence change replaces glycine, which is neutral and non-polar, with serine, which is neutral and polar, at codon 5 of the GRIN2D protein (p.Gly5Ser). The frequency data for this variant in the population databases is considered unreliable, as metrics indicate insufficient coverage at this position in the gnomAD database. This variant has not been reported in the literature in individuals affected with GRIN2D-related conditions. Advanced modeling of protein sequence and biophysical properties (such as structural, functional, and spatial information, amino acid conservation, physicochemical variation, residue mobility, and thermodynamic stability) performed at Invitae indicates that this missense variant is not expected to disrupt GRIN2D protein function with a negative predictive value of 95%. In summary, the available evidence is currently insufficient to determine the role of this variant in disease. Therefore, it has been classified as a Variant of Uncertain Significance.

NM_000836.4(GRIN2D):c.13G>A (p.Gly5Ser)

Gene: GRIN2D (glutamate ionotropic receptor NMDA type subunit 2D; plus strand). Cytogenetic location: 19q13.33.
Variant type: single nucleotide variant.
Coding change: c.13G>A on transcript NM_000836.4 (MANE Select); coding-DNA position 13, G replaced by A.
Protein change: p.Gly5Ser; replaces glycine 5 with serine.
Molecular consequence: missense variant.
Genome position (GRCh38, 1-based): chr19:48,398,405, G>A. VCF-style: chr19-48398405-G-A. GRCh37 (hg19) VCF-style: chr19-48901662-G-A.
Other names: short protein forms G5S.
Identifiers: ClinVar variation 2730692 (VCV002730692.3), dbSNP rs2147434057, ClinGen allele CA406688104.
Genomic context (GRCh38, chr19:48,398,405, plus strand): 5'-CTCTCCCGGCCCGGGCGCTCAGAGGCCGCCCGGCGGGGCCCGCAGGCGATGCGCGGCGCC[G>A]GTGGCCCCCGCGGCCCTCGGGGCCCCGCTAAGATGCTGCTGCTGCTGGCGCTGGCCTGCG-3'
Protein context (NP_000827.2, residues 1-15): MRGA[Gly5Ser]GPRGPRGPAK